The following is an entry in ClinVar:

NM_001077365.2(POMT1):c.299C>T (p.Pro100Leu)

Gene: POMT1 (protein O-mannosyltransferase 1; plus strand). Cytogenetic location: 9q34.13.
Variant type: single nucleotide variant.
Coding change: c.299C>T on transcript NM_001077365.2 (MANE Select); coding-DNA position 299, C replaced by T.
Protein change: p.Pro100Leu; replaces proline 100 with leucine.
Molecular consequence: missense variant. On other transcripts: 5 prime UTR variant (5), non-coding transcript variant (9), intron variant (3).
Genome position (GRCh38, 1-based): chr9:131,507,386, C>T. VCF-style: chr9-131507386-C-T. GRCh37 (hg19) VCF-style: chr9-134382773-C-T.
Other names: c.137C>T, p.Pro46Leu (NM_001077366.2, NM_001353194.2, NM_001353197.2 and 3 more transcripts); c.299C>T, p.Pro100Leu (NM_001136113.2, NM_001353193.2, NM_001374690.1 and 1 more transcripts); c.-53C>T (NM_001136114.2, NM_001353195.2, NM_001353199.2 and 2 more transcripts); c.209C>T, p.Pro70Leu (NM_001353196.2); c.-29-1525C>T (NM_001374695.1); c.-710+933C>T (NM_001411024.1); c.-30+933C>T (NM_001353200.2); short protein forms P100L, P46L, P70L.
Identifiers: ClinVar variation 3896957 (VCV003896957.1).
Genomic context (GRCh38, chr9:131,507,386, plus strand): 5'-GTGCACAGTGTAGTCAGCTCTGCAGTGTGGTTGCTTTTCCAGAATACAGTAGCAACGTGC[C>T]TGTGTGGTCCCTGCGCCTGCTGCCAGCACTCGCGGGGGCCTTGTCGGTCCCCATGGCCTA-3'
Protein context (NP_001070833.1, residues 90-110): RIGAEYSSNV[Pro100Leu]VWSLRLLPAL

ClinVar aggregate classification (germline): Uncertain significance (1 of 4 stars; one submission).

Submission:

Kariminejad - Najmabadi Pathology & Genetics Center
Classification: Uncertain significance. Last evaluated: 2017-01-15. Review status: criteria provided, single submitter. Criteria: ACMG Guidelines, 2015. Collection method: clinical testing. Allele origin: germline. Inheritance: Autosomal recessive inheritance. Affected: yes.
Comment: PM2, PM3_Supporting, PP3